The following is an entry in ClinVar:

ClinVar aggregate classification (germline): Uncertain significance. Review status: criteria provided, multiple submitters, no conflicts (2 of 4 stars). 2 submissions from 2 submitters: Uncertain significance (2). Last evaluated 2026-03-17.

gnomAD v4.1: 11 of 1,570,052 alleles (0.0007%); highest among the groups gnomAD compares: African/African-American, 0.0028%; no homozygotes.

Submissions (2):

Dasa
Classification: Uncertain significance. Last evaluated: 2026-03-17. Review status: criteria provided, single submitter. Criteria: DASA Assertion Criteria. Collection method: clinical testing. Allele origin: germline.
Comment: NM_001953.5(TYMP):c.1327G>A (p.Asp443Asn) is a missense variant that results in the substitution of aspartic acid with asparagine. This variant has been observed in affected individuals with TYMP-related disorders. Also, this variant is rare in population databases. Computational prediction algorithms are consistent with a benign effect. The currently available literature and clinical evidence are not sufficient to establish a definitive association between this variant and the reported condition. Therefore, this variant is classified as a variant of uncertain significance.

Labcorp Genetics (formerly Invitae), Labcorp
Classification: Uncertain significance. Last evaluated: 2022-04-19. Review status: criteria provided, single submitter. Criteria: Invitae Variant Classification Sherloc (09022015). Collection method: clinical testing. Allele origin: germline.
Comment: This sequence change replaces aspartic acid, which is acidic and polar, with asparagine, which is neutral and polar, at codon 443 of the TYMP protein (p.Asp443Asn). This variant is present in population databases (no rsID available, gnomAD 0.004%). This variant has not been reported in the literature in individuals affected with TYMP-related conditions. Advanced modeling of protein sequence and biophysical properties (such as structural, functional, and spatial information, amino acid conservation, physicochemical variation, residue mobility, and thermodynamic stability) performed at Invitae indicates that this missense variant is not expected to disrupt TYMP protein function. In summary, the available evidence is currently insufficient to determine the role of this variant in disease. Therefore, it has been classified as a Variant of Uncertain Significance.

NM_001953.5(TYMP):c.1327G>A (p.Asp443Asn)

Genes: SCO2 (synthesis of cytochrome C oxidase 2; minus strand), TYMP (thymidine phosphorylase; minus strand), LOC130067862 (ATAC-STARR-seq lymphoblastoid silent region 13986; plus strand). Cytogenetic location: 22q13.33.
Variant type: single nucleotide variant.
Coding change: c.1327G>A on transcript NM_001953.5 (MANE Select); coding-DNA position 1327, G replaced by A.
Protein change: p.Asp443Asn; replaces aspartic acid 443 with asparagine.
Molecular consequence: missense variant. On other transcripts: intron variant (2).
Genome position (GRCh38, 1-based): chr22:50,525,892, C>T on the plus strand (G>A on the coding strand, the complement: TYMP is on the minus strand). VCF-style: chr22-50525892-C-T. GRCh37 (hg19) VCF-style: chr22-50964321-C-T.
Other names: c.1327G>A, p.Asp443Asn (NM_001113755.3, NM_001113756.3, NM_001257988.1); c.1342G>A, p.Asp448Asn (NM_001257989.1); c.-14+354G>A (NM_001169109.2); c.-14+109G>A (NM_001169110.1); short protein forms D443N, D448N.
Identifiers: ClinVar variation 2201977 (VCV002201977.3), dbSNP rs754924121, ClinGen allele CA412196432.